The following is an entry in ClinVar:

NM_001378418.1(TCF20):c.5471del (p.Asp1823_Ser1824insTer)

Gene: TCF20 (transcription factor 20; minus strand). Cytogenetic location: 22q13.2.
Variant type: Deletion.
Coding change: c.5471del on transcript NM_001378418.1 (MANE Select); coding-DNA position 5471, one base deleted (C; older notation c.5471delC).
Protein change: p.Asp1823_Ser1824insTer.
Molecular consequence: nonsense.
Genome position (GRCh38, 1-based): chr22:42,209,835, G deleted on the plus strand (C on the coding strand, the reverse complement: TCF20 is on the minus strand). VCF-style (leftmost placement, unchanged base first): chr22-42209834-CG-C. GRCh37 (hg19) VCF-style: chr22-42605840-CG-C.
Other names: c.5471del, p.Asp1823_Ser1824insTer (NM_181492.3, NM_005650.4).
Identifiers: ClinVar variation 3652103 (VCV003652103.2).

ClinVar aggregate classification (germline): Pathogenic (1 of 4 stars; one submission).

Submission:

Labcorp Genetics (formerly Invitae), Labcorp
Classification: Pathogenic. Last evaluated: 2025-12-01. Review status: criteria provided, single submitter. Criteria: Invitae Variant Classification Sherloc (09022015). Collection method: clinical testing. Allele origin: germline.
Comment: This sequence change creates a premature translational stop signal (p.Ser1824*) in the TCF20 gene. It is expected to result in an absent or disrupted protein product. Loss-of-function variants in TCF20 are known to be pathogenic (PMID: 30739909, 30819258). This variant is not present in population databases (gnomAD no frequency). This variant has not been reported in the literature in individuals affected with TCF20-related conditions. ClinVar contains an entry for this variant (Variation ID: 3652103). For these reasons, this variant has been classified as Pathogenic.

Literature cited by the submitters: PubMed 30739909; PubMed 30819258.